The following is an entry in ClinVar:

ClinVar aggregate classification (germline): Likely benign (1 of 4 stars; one submission).

Conditions:
BAP1-related tumor predisposition syndrome (TPDS1). Also called: BAP1 tumor predisposition syndrome; Tumor susceptibility linked to germline BAP1 mutations; COMMON Syndrome; TUMOR PREDISPOSITION SYNDROME 1. Identifiers: Orphanet 289539, MedGen C3280492, MONDO:0013692, OMIM 614327.

Submission:

Myriad Genetics, Inc.
Classification: Likely benign for BAP1-related tumor predisposition syndrome. Last evaluated: 2024-07-17. Review status: criteria provided, single submitter. Criteria: Myriad Autosomal Dominant, Autosomal Recessive and X-Linked Classification Criteria (2023). Collection method: clinical testing. Allele origin: unknown.
Comment: This variant is considered likely benign. This variant is intronic and is not expected to impact mRNA splicing.

NM_004656.4(BAP1):c.1983+9T>C

Gene: BAP1 (BRCA1 associated deubiquitinase 1; minus strand). Cytogenetic location: 3p21.1.
Variant type: single nucleotide variant.
Coding change: c.1983+9T>C on transcript NM_004656.4 (MANE Select); 9 bases into the intron after coding-DNA position 1983, T replaced by C.
Molecular consequence: intron variant.
Genome position (GRCh38, 1-based): chr3:52,402,770, A>G on the plus strand (T>C on the coding strand, the complement: BAP1 is on the minus strand). VCF-style: chr3-52402770-A-G. GRCh37 (hg19) VCF-style: chr3-52436786-A-G.
Other names: c.1929+9T>C (NM_001410772.1).
Identifiers: ClinVar variation 3379220 (VCV003379220.1).